The following is an entry in ClinVar:

NM_001972.4(ELANE):c.133G>T (p.Val45Leu)

Gene: ELANE (elastase, neutrophil expressed; plus strand). Cytogenetic location: 19p13.3.
Variant type: single nucleotide variant.
Coding change: c.133G>T on transcript NM_001972.4 (MANE Select); coding-DNA position 133, G replaced by T.
Protein change: p.Val45Leu; replaces valine 45 with leucine.
Molecular consequence: missense variant.
Genome position (GRCh38, 1-based): chr19:852,941, G>T. VCF-style: chr19-852941-G-T. GRCh37 (hg19) VCF-style: chr19-852941-G-T.
Other names: c.133G>T (LRG_57t1); short protein forms V45L.
Identifiers: ClinVar variation 636926 (VCV000636926.2), dbSNP rs1599290793, ClinGen allele CA402914528.

ClinVar aggregate classification (germline): Uncertain significance (1 of 4 stars; one submission).

Conditions:
Neutropenia, severe congenital, 1, autosomal dominant. Identifiers: MedGen C1859966, MONDO:0042490, OMIM 202700.
Cyclical neutropenia. Also called: Cyclic hematopoiesis; Cyclic Neutropenia. Identifiers: Orphanet 2686, MedGen C0221023, MONDO:0008090, OMIM 162800, HP:0040289. Disease mechanism: loss of function.

Submission:

Labcorp Genetics (formerly Invitae), Labcorp
Classification: Uncertain significance for Neutropenia, severe congenital, 1, autosomal dominant; Cyclical neutropenia. Last evaluated: 2025-11-04. Review status: criteria provided, single submitter. Criteria: Invitae Variant Classification Sherloc (09022015). Collection method: clinical testing. Allele origin: germline.
Comment: This sequence change replaces valine, which is neutral and non-polar, with leucine, which is neutral and non-polar, at codon 45 of the ELANE protein (p.Val45Leu). This variant is not present in population databases (gnomAD no frequency). This variant has not been reported in the literature in individuals affected with ELANE-related conditions. ClinVar contains an entry for this variant (Variation ID: 636926). Invitae Evidence Modeling of protein sequence and biophysical properties (such as structural, functional, and spatial information, amino acid conservation, physicochemical variation, residue mobility, and thermodynamic stability) has been performed for this missense variant. However, the output from this modeling did not meet the statistical confidence thresholds required to predict the impact of this variant on ELANE protein function. Algorithms developed to predict the effect of sequence changes on RNA splicing suggest that this variant may disrupt the consensus splice site. In summary, the available evidence is currently insufficient to determine the role of this variant in disease. Therefore, it has been classified as a Variant of Uncertain Significance.